The following is an entry in ClinVar:

ClinVar aggregate classification (germline): Uncertain significance. Review status: criteria provided, multiple submitters, no conflicts (2 of 4 stars). 2 submissions from 2 submitters: Uncertain significance (2). Last evaluated 2023-12-29.

Conditions:
Hereditary cancer-predisposing syndrome. Also called: Neoplastic Syndromes, Hereditary; Tumor predisposition; Hereditary Cancer Syndrome; Hereditary neoplastic syndrome. Identifiers: Orphanet 140162, MedGen C0027672, MeSH D009386, MONDO:0015356.
Cardiovascular phenotype. Identifiers: MedGen CN230736.

Submissions (2):

Labcorp Genetics (formerly Invitae), Labcorp
Classification: Uncertain significance. Last evaluated: 2023-12-29. Review status: criteria provided, single submitter. Criteria: Invitae Variant Classification Sherloc (09022015). Collection method: clinical testing. Allele origin: germline.
Comment: This sequence change replaces cysteine, which is neutral and slightly polar, with tyrosine, which is neutral and polar, at codon 667 of the LZTR1 protein (p.Cys667Tyr). This variant is not present in population databases (gnomAD no frequency). This variant has not been reported in the literature in individuals affected with LZTR1-related conditions. ClinVar contains an entry for this variant (Variation ID: 1784234). Advanced modeling of protein sequence and biophysical properties (such as structural, functional, and spatial information, amino acid conservation, physicochemical variation, residue mobility, and thermodynamic stability) performed at Invitae indicates that this missense variant is not expected to disrupt LZTR1 protein function with a negative predictive value of 80%. In summary, the available evidence is currently insufficient to determine the role of this variant in disease. Therefore, it has been classified as a Variant of Uncertain Significance.

Ambry Genetics
Classification: Uncertain significance for Cardiovascular phenotype; Hereditary cancer-predisposing syndrome. Last evaluated: 2022-09-04. Review status: criteria provided, single submitter. Criteria: Ambry Variant Classification Scheme 2023. Collection method: clinical testing. Allele origin: germline.
Comment: The p.C667Y variant (also known as c.2000G>A), located in coding exon 17 of the LZTR1 gene, results from a G to A substitution at nucleotide position 2000. The cysteine at codon 667 is replaced by tyrosine, an amino acid with highly dissimilar properties. This amino acid position is conserved. In addition, this alteration is predicted to be deleterious by in silico analysis. Since supporting evidence is limited at this time, the clinical significance of this alteration remains unclear.

NM_006767.4(LZTR1):c.2000G>A (p.Cys667Tyr)

Gene: LZTR1 (leucine zipper like post translational regulator 1; plus strand). Cytogenetic location: 22q11.21.
Variant type: single nucleotide variant.
Coding change: c.2000G>A on transcript NM_006767.4 (MANE Select); coding-DNA position 2000, G replaced by A.
Protein change: p.Cys667Tyr; replaces cysteine 667 with tyrosine.
Molecular consequence: missense variant.
Genome position (GRCh38, 1-based): chr22:20,995,803, G>A. VCF-style: chr22-20995803-G-A. GRCh37 (hg19) VCF-style: chr22-21350092-G-A.
Other names: short protein forms C667Y.
Identifiers: ClinVar variation 1784234 (VCV001784234.5), dbSNP rs1306708803, ClinGen allele CA410779036.